The following is an entry in ClinVar:

NM_001430.5(EPAS1):c.986C>T (p.Pro329Leu)

Gene: EPAS1 (endothelial PAS domain protein 1; plus strand). Cytogenetic location: 2p21.
Variant type: single nucleotide variant.
Coding change: c.986C>T on transcript NM_001430.5 (MANE Select); coding-DNA position 986, C replaced by T.
Protein change: p.Pro329Leu; replaces proline 329 with leucine.
Molecular consequence: missense variant.
Genome position (GRCh38, 1-based): chr2:46,375,789, C>T. VCF-style: chr2-46375789-C-T. GRCh37 (hg19) VCF-style: chr2-46602928-C-T.
Other names: short protein forms P329L.
Identifiers: ClinVar variation 1768446 (VCV001768446.5), dbSNP rs2546470327, ClinGen allele CA346702909.

ClinVar aggregate classification (germline): Uncertain significance. Review status: criteria provided, multiple submitters, no conflicts (2 of 4 stars). 2 submissions from 2 submitters: Uncertain significance (2). Last evaluated 2024-06-23.

Conditions:
Inborn genetic diseases. Identifiers: MedGen C0950123, MeSH D030342.

Allele frequency attached by ClinVar (database versions not stated): gnomAD exomes below 0.00001.
gnomAD v4.1: 1 of 1,614,220 alleles (0.000062%); highest among the groups gnomAD compares: Non-Finnish European, 0.000085%; no homozygotes.

Submissions (2):

Ambry Genetics
Classification: Uncertain significance for Inborn genetic diseases. Last evaluated: 2024-06-23. Review status: criteria provided, single submitter. Criteria: Ambry Variant Classification Scheme 2023. Collection method: clinical testing. Allele origin: germline.
Comment: The p.P329L variant (also known as c.986C>T), located in coding exon 8 of the EPAS1 gene, results from a C to T substitution at nucleotide position 986. The proline at codon 329 is replaced by leucine, an amino acid with similar properties. This amino acid position is conserved. In addition, this alteration is predicted to be tolerated by in silico analysis. Since supporting evidence is limited at this time, the clinical significance of this alteration remains unclear.

Labcorp Genetics (formerly Invitae), Labcorp
Classification: Uncertain significance. Last evaluated: 2024-04-13. Review status: criteria provided, single submitter. Criteria: Invitae Variant Classification Sherloc (09022015). Collection method: clinical testing. Allele origin: germline.
Comment: This sequence change replaces proline, which is neutral and non-polar, with leucine, which is neutral and non-polar, at codon 329 of the EPAS1 protein (p.Pro329Leu). This variant is not present in population databases (gnomAD no frequency). This variant has not been reported in the literature in individuals affected with EPAS1-related conditions. ClinVar contains an entry for this variant (Variation ID: 1768446). An algorithm developed to predict the effect of missense changes on protein structure and function (PolyPhen-2) suggests that this variant is likely to be tolerated. In summary, the available evidence is currently insufficient to determine the role of this variant in disease. Therefore, it has been classified as a Variant of Uncertain Significance.